The following is an entry in ClinVar:

NM_004621.6(TRPC6):c.139C>G (p.Pro47Ala)

Gene: TRPC6 (transient receptor potential cation channel subfamily C member 6; minus strand). Cytogenetic location: 11q22.1.
Variant type: single nucleotide variant.
Coding change: c.139C>G on transcript NM_004621.6 (MANE Select); coding-DNA position 139, C replaced by G.
Protein change: p.Pro47Ala; replaces proline 47 with alanine.
Molecular consequence: missense variant.
Genome position (GRCh38, 1-based): chr11:101,583,365, G>C on the plus strand (C>G on the coding strand, the complement: TRPC6 is on the minus strand). VCF-style: chr11-101583365-G-C. GRCh37 (hg19) VCF-style: chr11-101454096-G-C.
Other names: short protein forms P47A.
Identifiers: ClinVar variation 3721082 (VCV003721082.4).

ClinVar aggregate classification (germline): Uncertain significance. Review status: criteria provided, multiple submitters, no conflicts (2 of 4 stars). 3 submissions from 3 submitters: Uncertain significance (3). Last evaluated 2025-10-01.

Conditions:
Focal segmental glomerulosclerosis 2 (FSGS2). Identifiers: Orphanet 656, MedGen C1858915, MONDO:0011390, OMIM 603965.

gnomAD v4.1: 99 of 1,594,344 alleles (0.0062%); highest among the groups gnomAD compares: Non-Finnish European, 0.0079%; no homozygotes.

Submissions (3):

Labcorp Genetics (formerly Invitae), Labcorp
Classification: Uncertain significance. Last evaluated: 2025-10-01. Review status: criteria provided, single submitter. Criteria: Invitae Variant Classification Sherloc (09022015). Collection method: clinical testing. Allele origin: germline.
Comment: This sequence change replaces proline, which is neutral and non-polar, with alanine, which is neutral and non-polar, at codon 47 of the TRPC6 protein (p.Pro47Ala). This variant is present in population databases (rs769034524, gnomAD 0.009%). This variant has not been reported in the literature in individuals affected with TRPC6-related conditions. ClinVar contains an entry for this variant (Variation ID: 3721082). Invitae Evidence Modeling of protein sequence and biophysical properties (such as structural, functional, and spatial information, amino acid conservation, physicochemical variation, residue mobility, and thermodynamic stability) indicates that this missense variant is not expected to disrupt TRPC6 protein function with a negative predictive value of 95%. In summary, the available evidence is currently insufficient to determine the role of this variant in disease. Therefore, it has been classified as a Variant of Uncertain Significance.

Department of Pathology and Laboratory Medicine, Sinai Health System
Classification: Uncertain significance for Focal segmental glomerulosclerosis 2. Last evaluated: 2022-06-16. Review status: criteria provided, single submitter. Criteria: ACMG Guidelines, 2015. Collection method: research. Allele origin: germline.

Blueprint Genetics
Classification: Uncertain significance. Last evaluated: 2021-05-14. Review status: criteria provided, single submitter. Criteria: ACMG Guidelines, 2015. Collection method: clinical testing. Allele origin: germline.